The following is an entry in ClinVar:

ClinVar aggregate classification (germline): Uncertain significance. Review status: criteria provided, multiple submitters, no conflicts (2 of 4 stars). 2 submissions from 2 submitters: Uncertain significance (2). Last evaluated 2024-04-09.

Conditions:
Hereditary cancer-predisposing syndrome. Also called: Tumor predisposition; Hereditary Cancer Syndrome; Hereditary neoplastic syndrome; Neoplastic Syndromes, Hereditary. Identifiers: Orphanet 140162, MedGen C0027672, MeSH D009386, MONDO:0015356.
POLD1-related polyposis and colorectal cancer syndrome (CRCS10). Also called: Colorectal cancer 10; COLORECTAL CANCER, SUSCEPTIBILITY TO, ON CHROMOSOME 19q; Colorectal cancer, susceptibility to, 10. Identifiers: Orphanet 220460, MedGen C2675481, MONDO:0012953, OMIM 612591.

Submissions (2):

Labcorp Genetics (formerly Invitae), Labcorp
Classification: Uncertain significance for POLD1-related polyposis and colorectal cancer syndrome. Last evaluated: 2024-04-09. Review status: criteria provided, single submitter. Criteria: Invitae Variant Classification Sherloc (09022015). Collection method: clinical testing. Allele origin: germline.
Comment: This sequence change replaces glutamic acid, which is acidic and polar, with glycine, which is neutral and non-polar, at codon 318 of the POLD1 protein (p.Glu318Gly). This variant is not present in population databases (gnomAD no frequency). This variant has not been reported in the literature in individuals affected with POLD1-related conditions. ClinVar contains an entry for this variant (Variation ID: 486086). Advanced modeling of protein sequence and biophysical properties (such as structural, functional, and spatial information, amino acid conservation, physicochemical variation, residue mobility, and thermodynamic stability) performed at Invitae indicates that this missense variant is expected to disrupt POLD1 protein function with a positive predictive value of 80%. RNA analysis performed to evaluate the impact of this missense change on mRNA splicing indicates it does not significantly alter splicing (Invitae). In summary, the available evidence is currently insufficient to determine the role of this variant in disease. Therefore, it has been classified as a Variant of Uncertain Significance.

Ambry Genetics
Classification: Uncertain significance for Hereditary cancer-predisposing syndrome. Last evaluated: 2024-02-26. Review status: criteria provided, single submitter. Criteria: Ambry Variant Classification Scheme 2023. Collection method: clinical testing. Allele origin: germline.
Comment: The p.E318G variant (also known as c.953A>G), located in coding exon 7 of the POLD1 gene, results from an A to G substitution at nucleotide position 953. The glutamic acid at codon 318 is replaced by glycine, an amino acid with similar properties. This amino acid position is highly conserved in available vertebrate species. In addition, this alteration is predicted to be deleterious by in silico analysis. Since supporting evidence is limited at this time, the clinical significance of this alteration remains unclear.

NM_002691.4(POLD1):c.953A>G (p.Glu318Gly)

Gene: POLD1 (DNA polymerase delta 1, catalytic subunit; plus strand). Cytogenetic location: 19q13.33.
Variant type: single nucleotide variant.
Coding change: c.953A>G on transcript NM_002691.4 (MANE Select); coding-DNA position 953, A replaced by G.
Protein change: p.Glu318Gly; replaces glutamic acid 318 with glycine.
Molecular consequence: missense variant. On other transcripts: non-coding transcript variant (1).
Genome position (GRCh38, 1-based): chr19:50,402,724, A>G. VCF-style: chr19-50402724-A-G. GRCh37 (hg19) VCF-style: chr19-50905981-A-G.
Other names: c.953A>G, p.Glu318Gly (NM_001256849.1, NM_001308632.1); short protein forms E318G.
Identifiers: ClinVar variation 486086 (VCV000486086.8), dbSNP rs1555790304, ClinGen allele CA406977378.